The following is an entry in ClinVar:

ClinVar aggregate classification (germline): Conflicting classifications of pathogenicity. Review status: criteria provided, conflicting classifications (1 of 4 stars). 2 submissions from 2 submitters: Uncertain significance (1); Likely benign (1). Last evaluated 2022-06-08.

Conditions:
Congenital disorder of deglycosylation 2 (CDDG2). Identifiers: MedGen C5676931, MONDO:0030770, OMIM 619775.

Allele frequency attached by ClinVar (database versions not stated): ExAC 0.00003; gnomAD 0.00003; TOPMed 0.00003; gnomAD exomes 0.00004.
gnomAD v4.1: 60 of 1,613,846 alleles (0.0037%); highest among the groups gnomAD compares: African/African-American, 0.017%; no homozygotes.

Submissions (2):

Illumina Laboratory Services, Illumina
Classification: Uncertain significance for Congenital disorder of deglycosylation 2. Last evaluated: 2022-06-08. Review status: criteria provided, single submitter. Criteria: ICSLVariantClassificationCriteria RUGD 01 April 2020. Collection method: clinical testing. Allele origin: unknown.
Comment: The MAN2C1 c.1825G>A (p.Ala609Thr) missense variant results in the substitution of alanine at amino acid position 1825 with threonine. To our knowledge, this variant has not been reported in the peer-reviewed literature. The highest frequency of this allele in the Genome Aggregation Database is 0.000169 in the Latino population (version 2.1.1). Based on the available evidence, the c.1825G>A (p.Ala609Thr) variant is classified as a variant of uncertain significance for congenital disorder of deglycosylation 2.

Ambry Genetics
Classification: Likely benign. Last evaluated: 2021-11-16. Review status: criteria provided, single submitter. Criteria: Ambry Variant Classification Scheme 2023. Collection method: clinical testing. Allele origin: germline.

NM_006715.4(MAN2C1):c.1825G>A (p.Ala609Thr)

Gene: MAN2C1 (mannosidase alpha class 2C member 1; minus strand). Cytogenetic location: 15q24.2.
Variant type: single nucleotide variant.
Coding change: c.1825G>A on transcript NM_006715.4 (MANE Select); coding-DNA position 1825, G replaced by A.
Protein change: p.Ala609Thr; replaces alanine 609 with threonine.
Molecular consequence: missense variant.
Genome position (GRCh38, 1-based): chr15:75,359,743, C>T on the plus strand (G>A on the coding strand, the complement: MAN2C1 is on the minus strand). VCF-style: chr15-75359743-C-T. GRCh37 (hg19) VCF-style: chr15-75652084-C-T.
Other names: c.1825G>A, p.Ala609Thr (NM_001256494.2, NM_001256495.2); c.1528G>A, p.Ala510Thr (NM_001256496.2); c.1825G>A (NM_006715.2); short protein forms A510T, A609T.
Identifiers: ClinVar variation 1803699 (VCV001803699.6), dbSNP rs756427418, ClinGen allele CA7666483.
Genomic context (GRCh38, chr15:75,359,743, plus strand): 5'-TGTTGACGATGAGGAGGCCCTCAGGACCTGGCTCCCCAGCACACAGGGCTGCGGCTGCAG[C>T]GCTGAGCAGTGTATTGCCATGGGAACGGATGTCTGAGGAAAGACTGGCTGGTCATAGGTG-3'
Protein context (NP_006706.2, residues 599-619): IRSHGNTLLS[Ala609Thr]AAAALCAGEP